The following is an entry in ClinVar:

NM_001042492.3(NF1):c.6296A>T (p.His2099Leu)

Gene: NF1 (neurofibromin 1; plus strand). Cytogenetic location: 17q11.2.
Variant type: single nucleotide variant.
Coding change: c.6296A>T on transcript NM_001042492.3 (MANE Select); coding-DNA position 6296, A replaced by T.
Protein change: p.His2099Leu; replaces histidine 2099 with leucine.
Molecular consequence: missense variant.
Genome position (GRCh38, 1-based): chr17:31,336,783, A>T. VCF-style: chr17-31336783-A-T. GRCh37 (hg19) VCF-style: chr17-29663801-A-T.
Other names: c.6233A>T, p.His2078Leu (NM_000267.4); short protein forms H2078L, H2099L.
Identifiers: ClinVar variation 2814195 (VCV002814195.3), dbSNP rs2508749096, ClinGen allele CA399012230.
Genomic context (GRCh38, chr17:31,336,783, plus strand): 5'-CTATTTTAGCACGCTACATGCTGATGCTGTCCTTCAACAATTCCCTTGATGTGGCAGCTC[A>T]TCTTCCCTACCTCTTCCACGTTGTTACTTTCTTAGTAGCCACAGGTCCGCTCTCCCTTAG-3'
Protein context (NP_001035957.1, residues 2089-2109): SFNNSLDVAA[His2099Leu]LPYLFHVVTF

ClinVar aggregate classification (germline): Uncertain significance (1 of 4 stars; one submission).

Conditions:
Neurofibromatosis, type 1 (NF1). Also called: NEUROFIBROMATOSIS, TYPE I, SOMATIC; Peripheral type neurofibromatosis; VON RECKLINGHAUSEN DISEASE; Neurofibromatosis, type I. Identifiers: Orphanet 636, MedGen C0027831, MONDO:0018975, OMIM 162200. Disease mechanism: loss of function.

Submission:

Labcorp Genetics (formerly Invitae), Labcorp
Classification: Uncertain significance for Neurofibromatosis, type 1. Last evaluated: 2022-11-14. Review status: criteria provided, single submitter. Criteria: Invitae Variant Classification Sherloc (09022015). Collection method: clinical testing. Allele origin: germline.
Comment: This variant has not been reported in the literature in individuals affected with NF1-related conditions. This sequence change replaces histidine, which is basic and polar, with leucine, which is neutral and non-polar, at codon 2078 of the NF1 protein (p.His2078Leu). This variant is not present in population databases (gnomAD no frequency). Advanced modeling of protein sequence and biophysical properties (such as structural, functional, and spatial information, amino acid conservation, physicochemical variation, residue mobility, and thermodynamic stability) performed at Invitae indicates that this missense variant is expected to disrupt NF1 protein function. In summary, the available evidence is currently insufficient to determine the role of this variant in disease. Therefore, it has been classified as a Variant of Uncertain Significance.